The following is an entry in ClinVar:

ClinVar aggregate classification (germline): Likely benign (1 of 4 stars; one submission).

Submission:

CeGaT Center for Human Genetics Tuebingen
Classification: Likely benign. Last evaluated: 2025-06-01. Review status: criteria provided, single submitter. Criteria: CeGaT Center For Human Genetics Tuebingen Variant Classification Criteria Version 2. Collection method: clinical testing. Allele origin: germline. Affected: yes. Observed: 1 variant allele.
Comment: OR4N4: BP4, BP7

NM_001005241.4(OR4N4):c.933T>C (p.Asp311=)

Genes: OR4M2-OT1 (OR4M2 overlapping transcript 1; plus strand), OR4N4 (olfactory receptor family 4 subfamily N member 4; plus strand). Cytogenetic location: 15q11.2.
Variant type: single nucleotide variant.
Coding change: c.933T>C on transcript NM_001005241.4 (MANE Select); coding-DNA position 933, T replaced by C.
Protein change: p.Asp311=; no amino-acid change (aspartic acid 311 retained).
Molecular consequence: synonymous variant.
Genome position (GRCh38, 1-based): chr15:22,095,454, T>C. VCF-style: chr15-22095454-T-C. GRCh37 (hg19) VCF-style: chr15-22383405-T-C.
Identifiers: ClinVar variation 3904923 (VCV003904923.10).